The following is an entry in ClinVar:

ClinVar aggregate classification (germline): Uncertain significance (1 of 4 stars; one submission).

Allele frequency attached by ClinVar (database versions not stated): TOPMed 0.00001.
gnomAD v4.1: 8 of 1,611,056 alleles (0.0005%); highest among the groups gnomAD compares: Non-Finnish European, 0.00068%; no homozygotes.

Submission:

Labcorp Genetics (formerly Invitae), Labcorp
Classification: Uncertain significance. Last evaluated: 2022-06-02. Review status: criteria provided, single submitter. Criteria: Invitae Variant Classification Sherloc (09022015). Collection method: clinical testing. Allele origin: germline.
Comment: This sequence change falls in intron 47 of the HSPG2 gene. It does not directly change the encoded amino acid sequence of the HSPG2 protein. This variant is not present in population databases (gnomAD no frequency). This variant has not been reported in the literature in individuals affected with HSPG2-related conditions. Algorithms developed to predict the effect of sequence changes on RNA splicing suggest that this variant may create or strengthen a splice site. In summary, the available evidence is currently insufficient to determine the role of this variant in disease. Therefore, it has been classified as a Variant of Uncertain Significance.

NM_005529.7(HSPG2):c.5998-15T>A

Gene: HSPG2 (heparan sulfate proteoglycan 2; minus strand). Cytogenetic location: 1p36.12.
Variant type: single nucleotide variant.
Coding change: c.5998-15T>A on transcript NM_005529.7 (MANE Select); 15 bases into the intron before coding-DNA position 5998, T replaced by A.
Molecular consequence: intron variant.
Genome position (GRCh38, 1-based): chr1:21,854,998, A>T on the plus strand (T>A on the coding strand, the complement: HSPG2 is on the minus strand). VCF-style: chr1-21854998-A-T. GRCh37 (hg19) VCF-style: chr1-22181491-A-T.
Other names: c.6001-15T>A (NM_001291860.2).
Identifiers: ClinVar variation 2043505 (VCV002043505.4), dbSNP rs1000339741, ClinGen allele CA19123224.